The following is an entry in ClinVar:

ClinVar aggregate classification (germline): Uncertain significance. Review status: reviewed by expert panel (3 of 4 stars). 3 submissions from 3 submitters: Uncertain significance (1). 2 of the submissions do not count toward it. Last evaluated 2023-08-14.

Conditions:
Mitochondrial disease. Also called: Mitochondrial disorder; Mitochondrial disorders. Identifiers: Orphanet 68380, MedGen C0751651, MeSH D028361, MONDO:0044970.
Parkinsonian disorder. Also called: Parkinsonism. Identifiers: MedGen C0242422, MONDO:0021095, HP:0001300.
Blindness. Also called: Blindness (disorder). Identifiers: MedGen C0456909, MONDO:0001941, HP:0000618.
Leigh syndrome (NULS). Also called: Leigh Disease; Leigh's necrotizing encephalopathy; Leigh's disease; LEIGH SYNDROME, NUCLEAR; Leigh's syndrome; Subacute necrotizing encephalopathy. Identifiers: Orphanet 506, MedGen C2931891, MONDO:0009723, OMIM 256000.

Submissions (3):

ClinGen Mitochondrial Disease Nuclear and Mitochondrial  Variant Curation Expert Panel, ClinGen
Classification: Uncertain significance for Mitochondrial disease. Last evaluated: 2023-08-14. Review status: reviewed by expert panel. Criteria: clingen mito disease acmg specifications v1-1. Collection method: curation. Allele origin: germline. Inheritance: Mitochondrial inheritance.
Comment: The m.14598T>C (p.I26V) variant in MT-ND6 was reviewed by the Mitochondrial Disease Nuclear and Mitochondrial Variant Curation Expert Panel on August 14, 2023. There are no individuals with this variant reported in the medical literature to our knowledge. There are two prior reports in ClinVar for this variant, however details are not provided precluding consideration of these cases for this curation. As such, there are no reported de novo occurrences or large families to consider for evidence of variant segregation. This variant is present in population databases including in Mitomap GenBank sequences (7/61,168 (0.012%) and seen across five top level (single letter) haplogroups with European, Asian, and African ancestry), Helix database (26/195,983 sequences (0.013%), in addition to three heteroplasmic occurrences and seen across six top level haplogroups with European, Asian, and African ancestry), and gnomAD v3.1.2 (9/56,416 sequences (0.016%) in addition to three heteroplasmic occurrences and seen across seven top level haplogroups with European, Asian, and African ancestry). The computational predictor APOGEE gives a consensus rating of neutral with a score of 0.31 (Min=0, Max=1; APOGEE2 scores on 0.0499), which predicts no damaging effect on gene function (BP4). There are no cybrids, single fiber studies, or other key functional assays reported for this variant to date. In summary, this variant meets criteria to be classified as uncertain significance for primary mitochondrial disease inherited in a mitochondrial manner. We note that two expert panel members felt likely benign was the more appropriate classification (compared to five who agreed with uncertain significance). This classification was approved by the NICHD/NINDS U24 ClinGen Mitochondrial Disease Variant Curation Expert Panel on August 14, 2023. Mitochondrial DNA-specific ACMG/AMP criteria applied: BP4.

Wong Mito Lab, Molecular and Human Genetics, Baylor College of Medicine
Classification: Likely benign for Leigh syndrome. Last evaluated: 2019-10-17. Review status: criteria provided, single submitter. Criteria: Modified ACMG Guidelines (Unpublished). Collection method: clinical testing. Allele origin: germline. Not counted in ClinVar's aggregate classification.
Comment: The NC_012920.1:m.14598T>C (YP_003024037.1:p.Ile26Val) variant in MTND6 gene is interpretated to be a Likely Benign variant based on the modified ACMG guidelines (unpublished). This variant meets the following evidence codes: BS4, BP6

Centre for Mendelian Genomics, University Medical Centre Ljubljana
Classification: Likely pathogenic for Blindness; Parkinsonian disorder. Last evaluated: 2015-07-15. Review status: criteria provided, single submitter. Criteria: ACMG Guidelines, 2015. Collection method: clinical testing. Allele origin: unknown. Affected: yes. Not counted in ClinVar's aggregate classification.

NC_012920.1(MT-ND6):m.14598T>C

Gene: MT-ND6 (mitochondrially encoded NADH dehydrogenase 6; minus strand).
Variant type: single nucleotide variant.
Genome position: chrM-14598-T-C.
Identifiers: ClinVar variation 374080 (VCV000374080.4), dbSNP rs1057518882, ClinGen allele CA16043602.